The following is an entry in ClinVar:

ClinVar aggregate classification (germline): Uncertain significance (1 of 4 stars; one submission).

Conditions:
Hereditary spastic paraplegia 45. Also called: SPASTIC PARAPLEGIA 45; Spastic paraplegia 45, autosomal recessive. Identifiers: Orphanet 320396, MedGen C3888209, MONDO:0013165, OMIM 613162.

Allele frequency attached by ClinVar (database versions not stated): gnomAD exomes below 0.00001; gnomAD 0.00001; TOPMed 0.00001.
gnomAD v4.1: 3 of 1,549,870 alleles (0.00019%); highest among the groups gnomAD compares: African/African-American, 0.0041%; no homozygotes.

Submission:

Labcorp Genetics (formerly Invitae), Labcorp
Classification: Uncertain significance for Hereditary spastic paraplegia 45. Last evaluated: 2024-06-03. Review status: criteria provided, single submitter. Criteria: Invitae Variant Classification Sherloc (09022015). Collection method: clinical testing. Allele origin: germline.
Comment: This sequence change falls in intron 7 of the NT5C2 gene. It does not directly change the encoded amino acid sequence of the NT5C2 protein. It affects a nucleotide within the consensus splice site. This variant is not present in population databases (gnomAD no frequency). This variant has not been reported in the literature in individuals affected with NT5C2-related conditions. ClinVar contains an entry for this variant (Variation ID: 1952197). Variants that disrupt the consensus splice site are a relatively common cause of aberrant splicing (PMID: 17576681, 9536098). Algorithms developed to predict the effect of sequence changes on RNA splicing suggest that this variant is not likely to affect RNA splicing. In summary, the available evidence is currently insufficient to determine the role of this variant in disease. Therefore, it has been classified as a Variant of Uncertain Significance.

Literature cited by the submitters: PubMed 17576681; PubMed 9536098.

NM_001351169.2(NT5C2):c.481+6T>G

Gene: NT5C2 (5'-nucleotidase, cytosolic II; minus strand). Cytogenetic location: 10q24.33.
Variant type: single nucleotide variant.
Coding change: c.481+6T>G on transcript NM_001351169.2 (MANE Select); 6 bases into the intron after coding-DNA position 481, T replaced by G.
Molecular consequence: intron variant.
Genome position (GRCh38, 1-based): chr10:103,101,229, A>C on the plus strand (T>G on the coding strand, the complement: NT5C2 is on the minus strand). VCF-style: chr10-103101229-A-C. GRCh37 (hg19) VCF-style: chr10-104860986-A-C.
Other names: c.394+6T>G (NM_001351174.1); c.-92-127T>G (NM_001351191.1, NM_001351181.2); c.-93+6T>G (NM_001351192.1, NM_001351193.1, NM_001351183.2 and 4 more transcripts); c.-275+6T>G (NM_001351194.2, NM_001351195.2, NM_001351196.2); c.-285+6T>G (NM_001351180.2, NM_001351188.2, NM_001351184.2 and 4 more transcripts); c.481+6T>G (NM_001134373.3, NM_012229.5); c.-306+6T>G (NM_001351185.2, NM_001351187.2); c.505+6T>G (NM_001351170.2, NM_001351171.2, NM_001351172.2 and 1 more transcripts); and 2 more.
Identifiers: ClinVar variation 1952197 (VCV001952197.5), dbSNP rs1458133670, ClinGen allele CA659108877.